The following is an entry in ClinVar:

NM_005228.5(EGFR):c.2695A>G (p.Ser899Gly)

Gene: EGFR (epidermal growth factor receptor; plus strand). Cytogenetic location: 7p11.2.
Variant type: single nucleotide variant.
Coding change: c.2695A>G on transcript NM_005228.5 (MANE Select); coding-DNA position 2695, A replaced by G.
Protein change: p.Ser899Gly; replaces serine 899 with glycine.
Molecular consequence: missense variant.
Genome position (GRCh38, 1-based): chr7:55,192,835, A>G. VCF-style: chr7-55192835-A-G. GRCh37 (hg19) VCF-style: chr7-55260528-A-G.
Other names: c.2560A>G, p.Ser854Gly (NM_001346897.2, NM_001346899.2); c.2695A>G, p.Ser899Gly (NM_001346898.2); c.2536A>G, p.Ser846Gly (NM_001346900.2); c.1894A>G, p.Ser632Gly (NM_001346941.2); short protein forms S846G, S899G, S632G, S854G.
Identifiers: ClinVar variation 2773058 (VCV002773058.4), dbSNP rs2128965609, ClinGen allele CA367580992.
Genomic context (GRCh38, chr7:55,192,835, plus strand): 5'-AAGTGGATGGCATTGGAATCAATTTTACACAGAATCTATACCCACCAGAGTGATGTCTGG[A>G]GCTACGGTGAGTCATAATCCTGATGCTAATGAGTTTGTACTGAGGCCAAGCTGGCTTTTA-3'
Protein context (NP_005219.2, residues 889-909): RIYTHQSDVW[Ser899Gly]YGVTVWELMT

ClinVar aggregate classification (germline): Uncertain significance. Review status: criteria provided, multiple submitters, no conflicts (2 of 4 stars). 2 submissions from 2 submitters: Uncertain significance (2). Last evaluated 2025-06-12.

Conditions:
EGFR-related lung cancer (EGFR). Identifiers: MedGen CN130014.
Hereditary cancer-predisposing syndrome. Also called: Hereditary neoplastic syndrome; Hereditary Cancer Syndrome; Neoplastic Syndromes, Hereditary; Tumor predisposition. Identifiers: Orphanet 140162, MedGen C0027672, MeSH D009386, MONDO:0015356.

Submissions (2):

Ambry Genetics
Classification: Uncertain significance for Hereditary cancer-predisposing syndrome. Last evaluated: 2025-06-12. Review status: criteria provided, single submitter. Criteria: Ambry Variant Classification Scheme 2023. Collection method: clinical testing. Allele origin: germline.
Comment: The p.S899G variant (also known as c.2695A>G), located in coding exon 22 of the EGFR gene, results from an A to G substitution at nucleotide position 2695. The serine at codon 899 is replaced by glycine, an amino acid with similar properties. This amino acid position is conserved. In addition, this alteration is predicted to be deleterious by in silico analysis. Based on the available evidence, the clinical significance of this variant remains unclear.

Labcorp Genetics (formerly Invitae), Labcorp
Classification: Uncertain significance for EGFR-related lung cancer. Last evaluated: 2023-06-05. Review status: criteria provided, single submitter. Criteria: Invitae Variant Classification Sherloc (09022015). Collection method: clinical testing. Allele origin: germline.
Comment: This sequence change replaces serine, which is neutral and polar, with glycine, which is neutral and non-polar, at codon 899 of the EGFR protein (p.Ser899Gly). This variant is not present in population databases (gnomAD no frequency). In summary, the available evidence is currently insufficient to determine the role of this variant in disease. Therefore, it has been classified as a Variant of Uncertain Significance. Algorithms developed to predict the effect of sequence changes on RNA splicing suggest that this variant may disrupt the consensus splice site. Advanced modeling of protein sequence and biophysical properties (such as structural, functional, and spatial information, amino acid conservation, physicochemical variation, residue mobility, and thermodynamic stability) performed at Invitae indicates that this missense variant is expected to disrupt EGFR protein function. This variant has not been reported in the literature in individuals affected with EGFR-related conditions.